The following is an entry in ClinVar:

ClinVar aggregate classification (germline): Conflicting classifications of pathogenicity. Review status: criteria provided, conflicting classifications (1 of 4 stars). 2 submissions from 2 submitters: Likely pathogenic (1); Uncertain significance (1). Last evaluated 2024-03-06.

Conditions:
Progressive sclerosing poliodystrophy (MTDPS4A). Also called: ALPERS PROGRESSIVE INFANTILE POLIODYSTROPHY; ALPERS DIFFUSE DEGENERATION OF CEREBRAL GRAY MATTER WITH HEPATIC CIRRHOSIS; Alpers-Huttenlocher Syndrome; Alpers Syndrome; Mitochondrial DNA Depletion Syndrome 4A; Alpers-Huttenlocher Syndrome (AHS). Identifiers: Orphanet 726, MedGen C0205710, MONDO:0008758, OMIM 203700.

Allele frequency attached by ClinVar (database versions not stated): gnomAD exomes below 0.00001; ExAC 0.00001; gnomAD 0.00001.
gnomAD v4.1: 2 of 1,613,994 alleles (0.00012%); highest among the groups gnomAD compares: South Asian, 0.0011%; no homozygotes.

Submissions (2):

Labcorp Genetics (formerly Invitae), Labcorp
Classification: Likely pathogenic for Progressive sclerosing poliodystrophy. Last evaluated: 2024-03-06. Review status: criteria provided, single submitter. Criteria: Invitae Variant Classification Sherloc (09022015). Collection method: clinical testing. Allele origin: germline.
Comment: This sequence change replaces glycine, which is neutral and non-polar, with alanine, which is neutral and non-polar, at codon 1051 of the POLG protein (p.Gly1051Ala). This variant is present in population databases (rs775248939, gnomAD 0.0009%). This variant has not been reported in the literature in individuals affected with POLG-related conditions. Advanced modeling of protein sequence and biophysical properties (such as structural, functional, and spatial information, amino acid conservation, physicochemical variation, residue mobility, and thermodynamic stability) performed at Invitae indicates that this missense variant is expected to disrupt POLG protein function with a positive predictive value of 95%. This variant disrupts the p.Gly1051 amino acid residue in POLG. Other variant(s) that disrupt this residue have been determined to be pathogenic (PMID: 14745080, 28130605, 30818899). This suggests that this residue is clinically significant, and that variants that disrupt this residue are likely to be disease-causing. In summary, the currently available evidence indicates that the variant is pathogenic, but additional data are needed to prove that conclusively. Therefore, this variant has been classified as Likely Pathogenic.

Blueprint Genetics
Classification: Uncertain significance. Last evaluated: 2020-11-12. Review status: criteria provided, single submitter. Criteria: ACMG Guidelines, 2015. Collection method: clinical testing. Allele origin: germline.

Literature cited by the submitters: PubMed 14745080 (cited by Labcorp Genetics (formerly Invitae), Labcorp); PubMed 28130605 (cited by Labcorp Genetics (formerly Invitae), Labcorp); PubMed 30818899 (cited by Labcorp Genetics (formerly Invitae), Labcorp).

NM_002693.3(POLG):c.3152G>C (p.Gly1051Ala)

Gene: POLG (DNA polymerase gamma, catalytic subunit; minus strand). Cytogenetic location: 15q26.1.
Variant type: single nucleotide variant.
Coding change: c.3152G>C on transcript NM_002693.3 (MANE Select); coding-DNA position 3152, G replaced by C.
Protein change: p.Gly1051Ala; replaces glycine 1051 with alanine.
Molecular consequence: missense variant.
Genome position (GRCh38, 1-based): chr15:89,319,052, C>G on the plus strand (G>C on the coding strand, the complement: POLG is on the minus strand). VCF-style: chr15-89319052-C-G. GRCh37 (hg19) VCF-style: chr15-89862283-C-G.
Other names: c.3152G>C, p.Gly1051Ala (NM_001126131.2); short protein forms G1051A.
Identifiers: ClinVar variation 2914373 (VCV002914373.4), dbSNP rs775248939, ClinGen allele CA7724221.